The following is an entry in ClinVar:

ClinVar aggregate classification (germline): Pathogenic (1 of 4 stars; one submission).

Conditions:
KBG syndrome (KBGS). Also called: ANKRD11-Related KBG Syndrome. Identifiers: Orphanet 2332, MedGen C0220687, MONDO:0007846, OMIM 148050.

Submission:

Labcorp Genetics (formerly Invitae), Labcorp
Classification: Pathogenic for KBG syndrome. Last evaluated: 2023-06-03. Review status: criteria provided, single submitter. Criteria: Invitae Variant Classification Sherloc (09022015). Collection method: clinical testing. Allele origin: germline.
Comment: This sequence change creates a premature translational stop signal (p.Asp1196Glnfs*7) in the ANKRD11 gene. It is expected to result in an absent or disrupted protein product. Loss-of-function variants in ANKRD11 are known to be pathogenic (PMID: 21782149, 25125236, 25413698, 25652421). This variant is not present in population databases (gnomAD no frequency). This variant has not been reported in the literature in individuals affected with ANKRD11-related conditions. For these reasons, this variant has been classified as Pathogenic.

Literature cited by the submitters: PubMed 21782149; PubMed 25125236; PubMed 25413698; PubMed 25652421.

NM_013275.6(ANKRD11):c.3586_3587del (p.Asp1196fs)

Gene: ANKRD11 (ankyrin repeat domain 11; minus strand). Cytogenetic location: 16q24.3.
Variant type: Microsatellite.
Coding change: c.3586_3587del on transcript NM_013275.6 (MANE Select); coding-DNA positions 3586 to 3587, 2 bases deleted (GA; older notation c.3586_3587delGA).
Protein change: p.Asp1196fs; shifts the reading frame from aspartic acid 1196.
Molecular consequence: frameshift variant.
Genome position (GRCh38, 1-based): chr16:89,282,955-89,282,956, TC deleted on the plus strand (GA on the coding strand, the reverse complement: ANKRD11 is on the minus strand); deleting any 2 consecutive bases within chr16:89,282,955-89,282,960 gives the same sequence; the c. name uses the placement nearest the transcript's 3' end. VCF-style (leftmost placement, unchanged base first): chr16-89282954-GTC-G. GRCh37 (hg19) VCF-style: chr16-89349362-GTC-G.
Other names: c.3586_3587del, p.Asp1196fs (NM_001256182.2, NM_001256183.2); short protein forms D1196fs.
Identifiers: ClinVar variation 2759979 (VCV002759979.3), dbSNP rs2544236847, ClinGen allele CA2697556090.